The following is an entry in ClinVar:

NM_004385.5(VCAN):c.4255A>G (p.Thr1419Ala)

Genes: VCAN (versican; plus strand), VCAN-AS1 (VCAN antisense RNA 1; minus strand). Cytogenetic location: 5q14.3.
Variant type: single nucleotide variant.
Coding change: c.4255A>G on transcript NM_004385.5 (MANE Select); coding-DNA position 4255, A replaced by G.
Protein change: p.Thr1419Ala; replaces threonine 1419 with alanine.
Molecular consequence: missense variant. On other transcripts: intron variant (2).
Genome position (GRCh38, 1-based): chr5:83,537,258, A>G. VCF-style: chr5-83537258-A-G. GRCh37 (hg19) VCF-style: chr5-82833077-A-G.
Other names: c.1294A>G, p.Thr432Ala (NM_001164097.2); c.4004-8279A>G (NM_001164098.2); c.1043-8279A>G (NM_001126336.3); short protein forms T1419A, T432A.
Identifiers: ClinVar variation 850606 (VCV000850606.11), dbSNP rs1746756536, ClinGen allele CA360307855.

ClinVar aggregate classification (germline): Uncertain significance (1 of 4 stars; one submission).

Allele frequency attached by ClinVar (database versions not stated): gnomAD exomes below 0.00001.
gnomAD v4.1: 1 of 1,613,960 alleles (0.000062%); highest among the groups gnomAD compares: African/African-American, 0.0013%; no homozygotes.

Submission:

Labcorp Genetics (formerly Invitae), Labcorp
Classification: Uncertain significance. Last evaluated: 2024-04-23. Review status: criteria provided, single submitter. Criteria: Invitae Variant Classification Sherloc (09022015). Collection method: clinical testing. Allele origin: germline.
Comment: This sequence change replaces threonine, which is neutral and polar, with alanine, which is neutral and non-polar, at codon 1419 of the VCAN protein (p.Thr1419Ala). This variant is not present in population databases (gnomAD no frequency). This variant has not been reported in the literature in individuals affected with VCAN-related conditions. ClinVar contains an entry for this variant (Variation ID: 850606). Algorithms developed to predict the effect of missense changes on protein structure and function output the following: SIFT: "Not Available"; PolyPhen-2: "Benign"; Align-GVGD: "Not Available". The alanine amino acid residue is found in multiple mammalian species, which suggests that this missense change does not adversely affect protein function. In summary, the available evidence is currently insufficient to determine the role of this variant in disease. Therefore, it has been classified as a Variant of Uncertain Significance.